The following is an entry in ClinVar:

ClinVar aggregate classification (germline): Uncertain significance (1 of 4 stars; one submission).

Allele frequency attached by ClinVar (database versions not stated): ExAC 0.00001; gnomAD exomes 0.00002 and 0.00008; TOPMed 0.00002; gnomAD 0.00003 and 0.00004.
gnomAD v4.1: 113 of 1,614,038 alleles (0.007%); highest among the groups gnomAD compares: Non-Finnish European, 0.0094%; no homozygotes.

Submission:

Labcorp Genetics (formerly Invitae), Labcorp
Classification: Uncertain significance. Last evaluated: 2025-09-10. Review status: criteria provided, single submitter. Criteria: Invitae Variant Classification Sherloc (09022015). Collection method: clinical testing. Allele origin: germline.
Comment: This sequence change replaces asparagine, which is neutral and polar, with aspartic acid, which is acidic and polar, at codon 606 of the ARHGEF10 protein (p.Asn606Asp). This variant is present in population databases (rs774094638, gnomAD 0.006%). This variant has not been reported in the literature in individuals affected with ARHGEF10-related conditions. ClinVar contains an entry for this variant (Variation ID: 1494433). Invitae Evidence Modeling of protein sequence and biophysical properties (such as structural, functional, and spatial information, amino acid conservation, physicochemical variation, residue mobility, and thermodynamic stability) indicates that this missense variant is not expected to disrupt ARHGEF10 protein function with a negative predictive value of 80%. In summary, the available evidence is currently insufficient to determine the role of this variant in disease. Therefore, it has been classified as a Variant of Uncertain Significance.

NM_014629.4(ARHGEF10):c.1816A>G (p.Asn606Asp)

Gene: ARHGEF10 (Rho guanine nucleotide exchange factor 10; plus strand). Cytogenetic location: 8p23.3.
Variant type: single nucleotide variant.
Coding change: c.1816A>G on transcript NM_014629.4 (MANE Select); coding-DNA position 1816, A replaced by G.
Protein change: p.Asn606Asp; replaces asparagine 606 with aspartic acid.
Molecular consequence: missense variant.
Genome position (GRCh38, 1-based): chr8:1,903,446, A>G. VCF-style: chr8-1903446-A-G. GRCh37 (hg19) VCF-style: chr8-1851612-A-G.
Other names: c.1702A>G, p.Asn568Asp (NM_001308152.2); c.1816A>G, p.Asn606Asp (NM_001308153.3); short protein forms N630D, N568D, N606D.
Identifiers: ClinVar variation 1494433 (VCV001494433.6), dbSNP rs774094638, ClinGen allele CA4600553.